The following is an entry in ClinVar:

ClinVar aggregate classification (germline): Pathogenic. Review status: criteria provided, multiple submitters, no conflicts (2 of 4 stars). 2 submissions from 2 submitters: Pathogenic (2). Last evaluated 2025-02-26.

Conditions:
Neurofibromatosis, type 1 (NF1). Also called: Neurofibromatosis, type I; Peripheral type neurofibromatosis; VON RECKLINGHAUSEN DISEASE; NEUROFIBROMATOSIS, TYPE I, SOMATIC. Identifiers: Orphanet 636, MedGen C0027831, MONDO:0018975, OMIM 162200. Disease mechanism: loss of function.

Submissions (2):

Labcorp Genetics (formerly Invitae), Labcorp
Classification: Pathogenic for Neurofibromatosis, type 1. Last evaluated: 2025-02-26. Review status: criteria provided, single submitter. Criteria: Invitae Variant Classification Sherloc (09022015). Collection method: clinical testing. Allele origin: germline.
Comment: This sequence change creates a premature translational stop signal (p.Phe1757Serfs*3) in the NF1 gene. It is expected to result in an absent or disrupted protein product. Loss-of-function variants in NF1 are known to be pathogenic (PMID: 10712197, 23913538). This variant is not present in population databases (gnomAD no frequency). This variant has not been reported in the literature in individuals affected with NF1-related conditions. ClinVar contains an entry for this variant (Variation ID: 439991). For these reasons, this variant has been classified as Pathogenic.

ARUP Laboratories, Molecular Genetics and Genomics, ARUP Laboratories
Classification: Pathogenic. Last evaluated: 2016-11-23. Review status: criteria provided, single submitter. Criteria: ARUP Molecular Germline Variant Investigation Process. Collection method: clinical testing. Allele origin: germline.

Literature cited by the submitters: PubMed 10712197 (cited by Labcorp Genetics (formerly Invitae), Labcorp); PubMed 23913538 (cited by Labcorp Genetics (formerly Invitae), Labcorp).

NM_001042492.3(NF1):c.5333_5334del (p.Phe1778fs)

Gene: NF1 (neurofibromin 1; plus strand). Cytogenetic location: 17q11.2.
Variant type: Deletion.
Coding change: c.5333_5334del on transcript NM_001042492.3 (MANE Select); coding-DNA positions 5333 to 5334, 2 bases deleted (TT; older notation c.5333_5334delTT).
Protein change: p.Phe1778fs; shifts the reading frame from phenylalanine 1778.
Molecular consequence: frameshift variant.
Genome position (GRCh38, 1-based): chr17:31,327,563-31,327,564, TT deleted; deleting any 2 consecutive bases within chr17:31,327,562-31,327,564 gives the same sequence; the c. name uses the placement nearest the transcript's 3' end. VCF-style (leftmost placement, unchanged base first): chr17-31327561-CTT-C. GRCh37 (hg19) VCF-style: chr17-29654579-CTT-C.
Other names: c.5270_5271delTT (NM_000267.3); c.5270_5271delTT, p.Phe1757Serfs (NM_000267.4); short protein forms F1757fs, F1778fs.
Identifiers: ClinVar variation 439991 (VCV000439991.10), dbSNP rs1555533566, ClinGen allele CA645509509.